The following is an entry in ClinVar:

ClinVar aggregate classification (germline): Uncertain significance (1 of 4 stars; one submission).

Conditions:
Hereditary cancer-predisposing syndrome. Also called: Neoplastic Syndromes, Hereditary; Hereditary neoplastic syndrome; Tumor predisposition; Hereditary Cancer Syndrome. Identifiers: Orphanet 140162, MedGen C0027672, MeSH D009386, MONDO:0015356.

Submission:

Ambry Genetics
Classification: Uncertain significance for Hereditary cancer-predisposing syndrome. Last evaluated: 2023-02-09. Review status: criteria provided, single submitter. Criteria: Ambry Variant Classification Scheme 2023. Collection method: clinical testing. Allele origin: germline.
Comment: The p.P668S variant (also known as c.2002C>T), located in coding exon 11 of the RET gene, results from a C to T substitution at nucleotide position 2002. The proline at codon 668 is replaced by serine, an amino acid with similar properties. This amino acid position is conserved. In addition, this alteration is predicted to be tolerated by in silico analysis. Since supporting evidence is limited at this time, the clinical significance of this alteration remains unclear.

NM_020975.6(RET):c.2002C>T (p.Pro668Ser)

Gene: RET (ret proto-oncogene; plus strand). Cytogenetic location: 10q11.21.
Variant type: single nucleotide variant.
Coding change: c.2002C>T on transcript NM_020975.6 (MANE Select); coding-DNA position 2002, C replaced by T.
Protein change: p.Pro668Ser; replaces proline 668 with serine.
Molecular consequence: missense variant. On other transcripts: intron variant (4).
Genome position (GRCh38, 1-based): chr10:43,114,602, C>T. VCF-style: chr10-43114602-C-T. GRCh37 (hg19) VCF-style: chr10-43610050-C-T.
Other names: c.2002C>T, p.Pro668Ser (NM_000323.2, NM_001406743.1, NM_001406744.1 and 4 more transcripts); c.1240C>T, p.Pro414Ser (NM_001355216.2); c.1873C>T, p.Pro625Ser (NM_001406761.1, NM_001406762.1, NM_001406764.1); c.1714C>T, p.Pro572Ser (NM_001406766.1, NM_001406767.1, NM_001406770.1); c.1606C>T, p.Pro536Ser (NM_001406769.1, NM_001406772.1); c.1564C>T, p.Pro522Ser (NM_001406771.1, NM_001406773.1); c.1477C>T, p.Pro493Ser (NM_001406774.1); c.1276C>T, p.Pro426Ser (NM_001406775.1, NM_001406776.1, NM_001406777.1 and 1 more transcripts); and 10 more; short protein forms P273S, P493S, P233S, P326S, P338S, P426S, P522S, P536S.
Identifiers: ClinVar variation 2496749 (VCV002496749.2), dbSNP rs1838025478, ClinGen allele CA376553113.